The following is an entry in ClinVar:

NM_020975.6(RET):c.960del (p.Asp322fs)

Gene: RET (ret proto-oncogene; plus strand). Cytogenetic location: 10q11.21.
Variant type: Deletion.
Coding change: c.960del on transcript NM_020975.6 (MANE Select); coding-DNA position 960, one base deleted (C; older notation c.960delC).
Protein change: p.Asp322fs; shifts the reading frame from aspartic acid 322.
Molecular consequence: frameshift variant. On other transcripts: intron variant (25).
Genome position (GRCh38, 1-based): chr10:43,106,468, C deleted; the last of 4 consecutive C bases (chr10:43,106,465-43,106,468); deleting any one gives the same sequence. VCF-style (leftmost placement, unchanged base first): chr10-43106464-TC-T. GRCh37 (hg19) VCF-style: chr10-43601912-TC-T.
Other names: c.198del, p.Asp68fs (NM_001355216.2); c.960del, p.Asp322fs (NM_001406743.1, NM_001406744.1, NM_001406759.1 and 4 more transcripts); c.831del, p.Asp279fs (NM_001406761.1, NM_001406762.1, NM_001406764.1 and 1 more transcripts); c.672del, p.Asp226fs (NM_001406766.1, NM_001406767.1, NM_001406770.1); c.867+1275del (NM_001406772.1, NM_001406769.1); c.626-2563del (NM_001406773.1, NM_001406771.1); c.625+3839del (NM_001406782.1, NM_001406780.1, NM_001406779.1 and 3 more transcripts); c.738+1275del (NM_001406774.1); and 5 more; short protein forms D226fs, D279fs, D322fs, D68fs.
Identifiers: ClinVar variation 3767877 (VCV003767877.1).

ClinVar aggregate classification (germline): Likely pathogenic (1 of 4 stars; one submission).

Conditions:
Abnormality of the digestive system. Identifiers: MedGen C0266015, HP:0025031.

Submission:

Clinical Genetics Laboratory, Skane University Hospital Lund
Classification: Likely pathogenic for Abnormality of the digestive system. Last evaluated: 2024-07-15. Review status: criteria provided, single submitter. Criteria: ACMG Guidelines, 2015. Collection method: clinical testing. Allele origin: germline. Affected: yes.
Comment: PVS1, PM2